The following is an entry in ClinVar:

NM_001367624.2(ZNF469):c.6520C>T (p.Pro2174Ser)

Gene: ZNF469 (zinc finger protein 469; plus strand). Cytogenetic location: 16q24.2.
Variant type: single nucleotide variant.
Coding change: c.6520C>T on transcript NM_001367624.2 (MANE Select); coding-DNA position 6520, C replaced by T.
Protein change: p.Pro2174Ser; replaces proline 2174 with serine.
Molecular consequence: missense variant.
Genome position (GRCh38, 1-based): chr16:88,433,990, C>T. VCF-style: chr16-88433990-C-T. GRCh37 (hg19) VCF-style: chr16-88500398-C-T.
Other names: NM_001127464.1:c.6436C>T; short protein forms P2174S.
Identifiers: ClinVar variation 4867005 (VCV004867005.1).

ClinVar aggregate classification (germline): Uncertain significance (1 of 4 stars; one submission).

Conditions:
Cardiovascular phenotype. Identifiers: MedGen CN230736.

Submission:

Ambry Genetics
Classification: Uncertain significance for Cardiovascular phenotype. Last evaluated: 2026-04-27. Review status: criteria provided, single submitter. Criteria: Ambry Variant Classification Scheme 2023. Collection method: clinical testing. Allele origin: germline.
Comment: The p.P2146S variant (also known as c.6436C>T), located in coding exon 2 of the ZNF469 gene, results from a C to T substitution at nucleotide position 6436. The proline at codon 2146 is replaced by serine, an amino acid with similar properties. This amino acid position is conserved. In addition, this alteration is predicted to be tolerated by in silico analysis. Based on the available evidence, the clinical significance of this variant remains unclear.